The following is an entry in ClinVar:

NM_001009944.3(PKD1):c.1850-8C>T

Gene: PKD1 (polycystin 1, transient receptor potential channel interacting; minus strand). Cytogenetic location: 16p13.3.
Variant type: single nucleotide variant.
Coding change: c.1850-8C>T on transcript NM_001009944.3 (MANE Select); 8 bases into the intron before coding-DNA position 1850, C replaced by T.
Molecular consequence: intron variant.
Genome position (GRCh38, 1-based): chr16:2,115,633, G>A on the plus strand (C>T on the coding strand, the complement: PKD1 is on the minus strand). VCF-style: chr16-2115633-G-A. GRCh37 (hg19) VCF-style: chr16-2165634-G-A.
Other names: c.1850-8C>T (NM_000296.4).
Identifiers: ClinVar variation 3031443 (VCV003031443.2), dbSNP rs1348298337, ClinGen allele CA620705855.

ClinVar aggregate classification (germline): Likely benign (0 of 4 stars; one submission).

Conditions:
PKD1-related disorder. Also called: PKD1-related condition.

Allele frequency attached by ClinVar (database versions not stated): gnomAD exomes below 0.00001; gnomAD 0.00001; TOPMed 0.00001.

Submission:

PreventionGenetics, part of Exact Sciences
Classification: Likely benign for PKD1-related condition. Last evaluated: 2023-10-18. Review status: no assertion criteria provided. Collection method: clinical testing. Allele origin: germline.
Comment: This variant is classified as likely benign based on ACMG/AMP sequence variant interpretation guidelines (Richards et al. 2015 PMID: 25741868, with internal and published modifications).